The following is an entry in ClinVar:

ClinVar aggregate classification (germline): Uncertain significance (1 of 4 stars; one submission).

Allele frequency attached by ClinVar (database versions not stated): 1000 Genomes Project 0.00040; 1000 Genomes Project 30x 0.00047; gnomAD 0.00077; ExAC 0.00080; TOPMed 0.00106; ESP Exome Variant Server 0.00115.
gnomAD v4.1: 1,998 of 1,614,168 alleles (0.12%); highest among the groups gnomAD compares: Non-Finnish European, 0.15%; 1 homozygote.

Submission:

Labcorp Genetics (formerly Invitae), Labcorp
Classification: Uncertain significance. Last evaluated: 2025-08-11. Review status: criteria provided, single submitter. Criteria: Invitae Variant Classification Sherloc (09022015). Collection method: clinical testing. Allele origin: germline.
Comment: This sequence change replaces arginine, which is basic and polar, with histidine, which is basic and polar, at codon 347 of the EIF2AK1 protein (p.Arg347His). This variant is present in population databases (rs140364200, gnomAD 0.2%), and has an allele count higher than expected for a pathogenic variant. This variant has not been reported in the literature in individuals affected with EIF2AK1-related conditions. ClinVar contains an entry for this variant (Variation ID: 2054519). An algorithm developed to predict the effect of missense changes on protein structure and function outputs the following: PolyPhen-2: "Benign". The histidine amino acid residue is found in multiple mammalian species, which suggests that this missense change does not adversely affect protein function. In summary, the available evidence is currently insufficient to determine the role of this variant in disease. Therefore, it has been classified as a Variant of Uncertain Significance.

NM_014413.4(EIF2AK1):c.1040G>A (p.Arg347His)

Gene: EIF2AK1 (eukaryotic translation initiation factor 2 alpha kinase 1; minus strand). Cytogenetic location: 7p22.1.
Variant type: single nucleotide variant.
Coding change: c.1040G>A on transcript NM_014413.4 (MANE Select); coding-DNA position 1040, G replaced by A.
Protein change: p.Arg347His; replaces arginine 347 with histidine.
Molecular consequence: missense variant.
Genome position (GRCh38, 1-based): chr7:6,040,971, C>T on the plus strand (G>A on the coding strand, the complement: EIF2AK1 is on the minus strand). VCF-style: chr7-6040971-C-T. GRCh37 (hg19) VCF-style: chr7-6080602-C-T.
Other names: c.1037G>A, p.Arg346His (NM_001134335.2); short protein forms R347H, R346H.
Identifiers: ClinVar variation 2054519 (VCV002054519.4), dbSNP rs140364200, ClinGen allele CA4150981.
Genomic context (GRCh38, chr7:6,040,971, plus strand): 5'-TTGACATTTTCTTCGGAAGATTCTTCGGTGGATGTGAAACTCTCCTCTAGGTGGGAATTA[C>T]GCCTGAGTGGCAGCTGCTGTTCCACAATTGAACTGGCAGACAAACCAGCCAAGCCATTTT-3'
Protein context (NP_055228.2, residues 337-357): SIVEQQLPLR[Arg347His]NSHLEESFTS